The following is an entry in ClinVar:

ClinVar aggregate classification (germline): Uncertain significance. Review status: criteria provided, multiple submitters, no conflicts (2 of 4 stars). 2 submissions from 2 submitters: Uncertain significance (2). Last evaluated 2025-01-25.

Conditions:
Epidermolysis bullosa simplex 5B, with muscular dystrophy (EBS5B). Also called: EPIDERMOLYSIS BULLOSA SIMPLEX AND LIMB-GIRDLE MUSCULAR DYSTROPHY; Epidermolysis bullosa simplex with muscular dystrophy. Identifiers: Orphanet 257, MedGen C2931072, MONDO:0009181, OMIM 226670.
Epidermolysis bullosa simplex, Ogna type (EBS5A). Also called: Pidermolysis bullosa simplex 5A, Ogna type; EPIDERMOLYSIS BULLOSA SIMPLEX 5A, OGNA TYPE. Identifiers: Orphanet 79401, MedGen C0432317, MONDO:0007555, OMIM 131950.
Epidermolysis bullosa simplex 5C, with pyloric atresia (EBS5C). Also called: PLEC-Related Epidermolysis Bullosa with Pyloric Atresia; Epidermolysis bullosa simplex with pyloric atresia; PLEC1-Related Epidermolysis Bullosa with Pyloric Atresia. Identifiers: Orphanet 158684, MedGen C2677349, MONDO:0012807, OMIM 612138.
Autosomal recessive limb-girdle muscular dystrophy type 2Q (LGMDR17). Also called: MUSCULAR DYSTROPHY, LIMB-GIRDLE, AUTOSOMAL RECESSIVE 17. Identifiers: Orphanet 254361, MedGen C3150989, MONDO:0013390, OMIM 613723.
Epidermolysis bullosa simplex with nail dystrophy (EBS5D). Identifiers: MedGen C4225309, MONDO:0014661, OMIM 616487.

gnomAD v4.1: 56 of 1,595,650 alleles (0.0035%); highest among the groups gnomAD compares: Non-Finnish European, 0.0046%; no homozygotes.

Submissions (2):

Labcorp Genetics (formerly Invitae), Labcorp
Classification: Uncertain significance for Autosomal recessive limb-girdle muscular dystrophy type 2Q; Epidermolysis bullosa simplex, Ogna type; Epidermolysis bullosa simplex with nail dystrophy; Epidermolysis bullosa simplex 5C, with pyloric atresia; Epidermolysis bullosa simplex 5B, with muscular dystrophy. Last evaluated: 2025-01-25. Review status: criteria provided, single submitter. Criteria: Invitae Variant Classification Sherloc (09022015). Collection method: clinical testing. Allele origin: germline.
Comment: This sequence change replaces arginine, which is basic and polar, with cysteine, which is neutral and slightly polar, at codon 1506 of the PLEC protein (p.Arg1506Cys). The frequency data for this variant in the population databases is considered unreliable, as metrics indicate poor data quality at this position in the gnomAD database. This variant has not been reported in the literature in individuals affected with PLEC-related conditions. ClinVar contains an entry for this variant (Variation ID: 2145482). Invitae Evidence Modeling of protein sequence and biophysical properties (such as structural, functional, and spatial information, amino acid conservation, physicochemical variation, residue mobility, and thermodynamic stability) has been performed for this missense variant. However, the output from this modeling did not meet the statistical confidence thresholds required to predict the impact of this variant on PLEC protein function. In summary, the available evidence is currently insufficient to determine the role of this variant in disease. Therefore, it has been classified as a Variant of Uncertain Significance.

Revvity Omics, Revvity
Classification: Uncertain significance. Last evaluated: 2022-09-27. Review status: criteria provided, single submitter. Criteria: ACMG Guidelines, 2015. Collection method: clinical testing. Allele origin: germline.

NM_201384.3(PLEC):c.4435C>T (p.Arg1479Cys)

Gene: PLEC (plectin; minus strand). Cytogenetic location: 8q24.3.
Variant type: single nucleotide variant.
Coding change: c.4435C>T on transcript NM_201384.3 (MANE Select); coding-DNA position 4435, C replaced by T.
Protein change: p.Arg1479Cys; replaces arginine 1479 with cysteine.
Molecular consequence: missense variant.
Genome position (GRCh38, 1-based): chr8:143,925,494, G>A on the plus strand (C>T on the coding strand, the complement: PLEC is on the minus strand). VCF-style: chr8-143925494-G-A. GRCh37 (hg19) VCF-style: chr8-144999662-G-A.
Other names: c.4516C>T, p.Arg1506Cys (NM_000445.5); c.4393C>T, p.Arg1465Cys (NM_201378.4); c.4369C>T, p.Arg1457Cys (NM_201379.3); c.4846C>T, p.Arg1616Cys (NM_201380.4); c.4339C>T, p.Arg1447Cys (NM_201381.3); c.4435C>T, p.Arg1479Cys (NM_201382.4); c.4447C>T, p.Arg1483Cys (NM_201383.3); short protein forms R1465C, R1506C, R1447C, R1457C, R1479C, R1483C, R1616C.
Identifiers: ClinVar variation 2145482 (VCV002145482.7), dbSNP rs782801825, ClinGen allele CA4926662.